The following is an entry in ClinVar:

NM_000355.4(TCN2):c.445C>T (p.His149Tyr)

Gene: TCN2 (transcobalamin 2; plus strand). Cytogenetic location: 22q12.2.
Variant type: single nucleotide variant.
Coding change: c.445C>T on transcript NM_000355.4 (MANE Select); coding-DNA position 445, C replaced by T.
Protein change: p.His149Tyr; replaces histidine 149 with tyrosine.
Molecular consequence: missense variant.
Genome position (GRCh38, 1-based): chr22:30,614,366, C>T. VCF-style: chr22-30614366-C-T. GRCh37 (hg19) VCF-style: chr22-31010353-C-T.
Other names: c.364C>T, p.His122Tyr (NM_001184726.2); short protein forms H122Y, H149Y.
Identifiers: ClinVar variation 2419411 (VCV002419411.4), dbSNP rs1200083311, ClinGen allele CA411210530.

ClinVar aggregate classification (germline): Uncertain significance (1 of 4 stars; one submission).

Conditions:
Transcobalamin II deficiency (TCN2D). Also called: TC II DEFICIENCY; TCN2 DEFICIENCY; Transcolabamin II deficiency. Identifiers: Orphanet 859, MedGen C0342701, MONDO:0010149, OMIM 275350.

Allele frequency attached by ClinVar (database versions not stated): gnomAD 0.00001.

Submission:

Labcorp Genetics (formerly Invitae), Labcorp
Classification: Uncertain significance for Transcobalamin II deficiency. Last evaluated: 2025-02-24. Review status: criteria provided, single submitter. Criteria: Invitae Variant Classification Sherloc (09022015). Collection method: clinical testing. Allele origin: germline.
Comment: This sequence change replaces histidine, which is basic and polar, with tyrosine, which is neutral and polar, at codon 149 of the TCN2 protein (p.His149Tyr). This variant is present in population databases (no rsID available, gnomAD 0.1%). This variant has not been reported in the literature in individuals affected with TCN2-related conditions. ClinVar contains an entry for this variant (Variation ID: 2419411). An algorithm developed to predict the effect of missense changes on protein structure and function outputs the following: PolyPhen-2: "Benign". The tyrosine amino acid residue is found in multiple mammalian species, which suggests that this missense change does not adversely affect protein function. In summary, the available evidence is currently insufficient to determine the role of this variant in disease. Therefore, it has been classified as a Variant of Uncertain Significance.